The following is an entry in ClinVar:

ClinVar aggregate classification (germline): Uncertain significance (1 of 4 stars; one submission).

Allele frequency attached by ClinVar (database versions not stated): gnomAD exomes below 0.00001; gnomAD 0.00001; TOPMed 0.00001.
gnomAD v4.1: 4 of 1,613,506 alleles (0.00025%); highest among the groups gnomAD compares: Admixed American, 0.0033%; no homozygotes.

Submission:

Labcorp Genetics (formerly Invitae), Labcorp
Classification: Uncertain significance. Last evaluated: 2022-07-23. Review status: criteria provided, single submitter. Criteria: Invitae Variant Classification Sherloc (09022015). Collection method: clinical testing. Allele origin: germline.
Comment: This sequence change replaces tyrosine, which is neutral and polar, with cysteine, which is neutral and slightly polar, at codon 1492 of the NBAS protein (p.Tyr1492Cys). This variant is present in population databases (no rsID available, gnomAD 0.003%). This missense change has been observed in individual(s) with pediatric acute liver failure (PMID: 30558828). Algorithms developed to predict the effect of missense changes on protein structure and function output the following: SIFT: "Deleterious"; PolyPhen-2: "Benign"; Align-GVGD: "Class C0". The cysteine amino acid residue is found in multiple mammalian species, which suggests that this missense change does not adversely affect protein function. In summary, the available evidence is currently insufficient to determine the role of this variant in disease. Therefore, it has been classified as a Variant of Uncertain Significance.

Literature cited by the submitters: PubMed 30558828.

NM_015909.4(NBAS):c.4475A>G (p.Tyr1492Cys)

Gene: NBAS (NBAS subunit of NRZ tethering complex; minus strand). Cytogenetic location: 2p24.3.
Variant type: single nucleotide variant.
Coding change: c.4475A>G on transcript NM_015909.4 (MANE Select); coding-DNA position 4475, A replaced by G.
Protein change: p.Tyr1492Cys; replaces tyrosine 1492 with cysteine.
Molecular consequence: missense variant. On other transcripts: non-coding transcript variant (1).
Genome position (GRCh38, 1-based): chr2:15,327,857, T>C on the plus strand (A>G on the coding strand, the complement: NBAS is on the minus strand). VCF-style: chr2-15327857-T-C. GRCh37 (hg19) VCF-style: chr2-15467981-T-C.
Other names: short protein forms Y1492C.
Identifiers: ClinVar variation 2135551 (VCV002135551.1), dbSNP rs1367003431, ClinGen allele CA345895636.